The following is an entry in ClinVar:

ClinVar aggregate classification (germline): Uncertain significance. Review status: criteria provided, multiple submitters, no conflicts (2 of 4 stars). 3 submissions from 3 submitters: Uncertain significance (3). Last evaluated 2025-05-07.

Conditions:
Inborn genetic diseases. Identifiers: MedGen C0950123, MeSH D030342.
Pseudohypoaldosteronism type 2B (PHA2B). Also called: Pseudohypoaldosteronism Type IIB. Identifiers: Orphanet 757, Orphanet 88939, MedGen C1840390, MONDO:0013777, OMIM 614491.

Allele frequency attached by ClinVar (database versions not stated): ExAC 0.00001; TOPMed 0.00006; gnomAD 0.00007; ESP Exome Variant Server 0.00008; gnomAD exomes 0.00008.

Submissions (3):

Ambry Genetics
Classification: Uncertain significance for Inborn genetic diseases. Last evaluated: 2025-05-07. Review status: criteria provided, single submitter. Criteria: Ambry Variant Classification Scheme 2023. Collection method: clinical testing. Allele origin: germline.

Labcorp Genetics (formerly Invitae), Labcorp
Classification: Uncertain significance. Last evaluated: 2024-03-28. Review status: criteria provided, single submitter. Criteria: Invitae Variant Classification Sherloc (09022015). Collection method: clinical testing. Allele origin: germline.
Comment: This sequence change replaces valine, which is neutral and non-polar, with leucine, which is neutral and non-polar, at codon 165 of the WNK4 protein (p.Val165Leu). This variant is present in population databases (rs140344387, gnomAD 0.008%). This variant has not been reported in the literature in individuals affected with WNK4-related conditions. ClinVar contains an entry for this variant (Variation ID: 2486186). Experimental studies and prediction algorithms are not available or were not evaluated, and the functional significance of this variant is currently unknown. In summary, the available evidence is currently insufficient to determine the role of this variant in disease. Therefore, it has been classified as a Variant of Uncertain Significance.

Fulgent Genetics
Classification: Uncertain significance for Pseudohypoaldosteronism type 2B. Last evaluated: 2024-03-12. Review status: criteria provided, single submitter. Criteria: ACMG Guidelines, 2015. Collection method: clinical testing. Allele origin: germline.

NM_032387.5(WNK4):c.493G>T (p.Val165Leu)

Gene: WNK4 (WNK lysine deficient protein kinase 4; plus strand). Cytogenetic location: 17q21.2.
Variant type: single nucleotide variant.
Coding change: c.493G>T on transcript NM_032387.5 (MANE Select); coding-DNA position 493, G replaced by T.
Protein change: p.Val165Leu; replaces valine 165 with leucine.
Molecular consequence: missense variant. On other transcripts: 5 prime UTR variant (1).
Genome position (GRCh38, 1-based): chr17:42,781,191, G>T. VCF-style: chr17-42781191-G-T. GRCh37 (hg19) VCF-style: chr17-40933209-G-T.
Other names: c.-427G>T (NM_001321299.2); short protein forms V165L.
Identifiers: ClinVar variation 2486186 (VCV002486186.6), dbSNP rs140344387, ClinGen allele CA8583691.